The following is an entry in ClinVar:

NM_030928.4(CDT1):c.8A>T (p.Gln3Leu)

Gene: CDT1 (chromatin licensing and DNA replication factor 1; plus strand). Cytogenetic location: 16q24.3.
Variant type: single nucleotide variant.
Coding change: c.8A>T on transcript NM_030928.4 (MANE Select); coding-DNA position 8, A replaced by T.
Protein change: p.Gln3Leu; replaces glutamine 3 with leucine.
Molecular consequence: missense variant.
Genome position (GRCh38, 1-based): chr16:88,803,839, A>T. VCF-style: chr16-88803839-A-T. GRCh37 (hg19) VCF-style: chr16-88870247-A-T.
Other names: short protein forms Q3L.
Identifiers: ClinVar variation 2118989 (VCV002118989.4), dbSNP rs2508191908, ClinGen allele CA397069726.

ClinVar aggregate classification (germline): Uncertain significance (1 of 4 stars; one submission).

Submission:

Labcorp Genetics (formerly Invitae), Labcorp
Classification: Uncertain significance. Last evaluated: 2022-03-28. Review status: criteria provided, single submitter. Criteria: Invitae Variant Classification Sherloc (09022015). Collection method: clinical testing. Allele origin: germline.
Comment: In summary, the available evidence is currently insufficient to determine the role of this variant in disease. Therefore, it has been classified as a Variant of Uncertain Significance. Algorithms developed to predict the effect of missense changes on protein structure and function are either unavailable or do not agree on the potential impact of this missense change (SIFT: "Deleterious"; PolyPhen-2: "Benign"; Align-GVGD: "Class C0"). This variant has not been reported in the literature in individuals affected with CDT1-related conditions. This variant is not present in population databases (gnomAD no frequency). This sequence change replaces glutamine, which is neutral and polar, with leucine, which is neutral and non-polar, at codon 3 of the CDT1 protein (p.Gln3Leu).